The following is an entry in ClinVar:

NM_144997.7(FLCN):c.1062+6C>T

Gene: FLCN (folliculin; minus strand). Cytogenetic location: 17p11.2.
Variant type: single nucleotide variant.
Coding change: c.1062+6C>T on transcript NM_144997.7 (MANE Select); 6 bases into the intron after coding-DNA position 1062, C replaced by T.
Molecular consequence: intron variant.
Genome position (GRCh38, 1-based): chr17:17,219,013, G>A on the plus strand (C>T on the coding strand, the complement: FLCN is on the minus strand). VCF-style: chr17-17219013-G-A. GRCh37 (hg19) VCF-style: chr17-17122327-G-A.
Other names: p.?; c.1062+6C>T (NM_144997.6, NM_001353231.2, NM_001353230.2); c.1116+6C>T (NM_001353229.2).
Identifiers: ClinVar variation 96468 (VCV000096468.32), dbSNP rs8065832, ClinGen allele CA149545.

ClinVar aggregate classification (germline): Benign. Review status: criteria provided, multiple submitters, no conflicts (2 of 4 stars). 20 submissions from 18 submitters: Benign (17). 3 of the submissions do not count toward it. Last evaluated 2026-02-04.

Conditions:
Birt-Hogg-Dube syndrome 1 (BHD1). Also called: FIBROFOLLICULOMAS WITH TRICHODISCOMAS AND ACROCHORDONS. Identifiers: Orphanet 122, MedGen CN375946, MONDO:0800445, OMIM 135150.
Hereditary cancer-predisposing syndrome. Also called: Hereditary Cancer Syndrome; Hereditary neoplastic syndrome; Neoplastic Syndromes, Hereditary; Tumor predisposition. Identifiers: Orphanet 140162, MedGen C0027672, MeSH D009386, MONDO:0015356.
Familial spontaneous pneumothorax (PSP). Identifiers: Orphanet 2903, MedGen C1868193, MONDO:0008259, OMIM 173600.
Birt-Hogg-Dube syndrome. Also called: Birt Hogg Dubé syndrome. Identifiers: Orphanet 122, MedGen C0346010, MONDO:0800444.

Allele frequency attached by ClinVar (database versions not stated): ESP Exome Variant Server 0.44910; TOPMed 0.45698; gnomAD 0.47076 and 0.47116; gnomAD exomes 0.49108 and 0.50555; 1000 Genomes Project 30x 0.49250; ExAC 0.50234; 1000 Genomes Project 0.50300.

Submissions (20):

Labcorp Genetics (formerly Invitae), Labcorp
Classification: Benign for Birt-Hogg-Dube syndrome. Last evaluated: 2026-02-04. Review status: criteria provided, single submitter. Criteria: Invitae Variant Classification Sherloc (09022015). Collection method: clinical testing. Allele origin: germline.

Hereditary Cancer Laboratory, Hospital Universitario 12 de Octubre
Classification: Benign for Hereditary cancer-predisposing syndrome. Last evaluated: 2025-01-08. Review status: criteria provided, single submitter. Criteria: ACMG Guidelines, 2015. Collection method: clinical testing. Allele origin: germline.
Comment: BA1+BP6

Blueprint Genetics
Classification: Benign. Last evaluated: 2024-11-28. Review status: criteria provided, single submitter. Criteria: ACMG Guidelines, 2015. Collection method: clinical testing. Allele origin: germline.

Myriad Genetics, Inc.
Classification: Benign for Birt-Hogg-Dube syndrome 1. Last evaluated: 2024-10-24. Review status: criteria provided, single submitter. Criteria: Myriad Autosomal Dominant, Autosomal Recessive and X-Linked Classification Criteria (2023). Collection method: clinical testing. Allele origin: unknown.
Comment: This variant is considered benign. This variant is intronic and is not expected to impact mRNA splicing. This variant has been observed at a population frequency that is significantly greater than expected given the associated disease prevalence and penetrance.

KCCC/NGS Laboratory, Kuwait Cancer Control Center
Classification: Benign for Birt-Hogg-Dube syndrome 1. Last evaluated: 2023-07-07. Review status: criteria provided, single submitter. Criteria: ACMG Guidelines, 2015. Collection method: clinical testing. Allele origin: germline. Affected: yes.

Mayo Clinic Laboratories, Mayo Clinic
Classification: Benign. Last evaluated: 2021-12-02. Review status: criteria provided, single submitter. Criteria: ACMG Guidelines, 2015. Collection method: clinical testing. Allele origin: germline. Observed: 662 variant alleles.
Comment: BA1, BP4

Genome-Nilou Lab
Classification: Benign for Birt-Hogg-Dube syndrome 1. Last evaluated: 2021-08-10. Review status: criteria provided, single submitter. Criteria: ACMG Guidelines, 2015. Collection method: clinical testing. Allele origin: germline. Affected: no.

Genome-Nilou Lab
Classification: Benign for Familial spontaneous pneumothorax. Last evaluated: 2021-08-10. Review status: criteria provided, single submitter. Criteria: ACMG Guidelines, 2015. Collection method: clinical testing. Allele origin: germline. Affected: no.

Illumina Laboratory Services, Illumina
Classification: Benign for Birt-Hogg-Dube syndrome 1. Last evaluated: 2018-03-06. Review status: criteria provided, single submitter. Criteria: ICSL Variant Classification Criteria 13 December 2019. Collection method: clinical testing. Allele origin: germline.
Comment: This variant was observed in the ICSL laboratory as part of a predisposition screen in an ostensibly healthy population. It had not been previously curated by ICSL or reported in the Human Gene Mutation Database (HGMD: prior to June 1st, 2018), and was therefore a candidate for classification through an automated scoring system. Utilizing variant allele frequency, disease prevalence and penetrance estimates, and inheritance mode, an automated score was calculated to assess if this variant is too frequent to cause the disease. Based on the score and internal cut-off values, a variant classified as benign is not then subjected to further curation. The score for this variant resulted in a classification of benign for this disease.

Illumina Laboratory Services, Illumina
Classification: Benign for Familial spontaneous pneumothorax. Last evaluated: 2018-03-06. Review status: criteria provided, single submitter. Criteria: ICSL Variant Classification Criteria 13 December 2019. Collection method: clinical testing. Allele origin: germline.
Comment: the same text as in the submission from Illumina Laboratory Services, Illumina above.

Eurofins Ntd Llc (ga)
Classification: Benign. Last evaluated: 2017-04-10. Review status: criteria provided, single submitter. Criteria: EGL Classification Definitions 2015. Collection method: clinical testing. Allele origin: germline. Observed: 148 variant alleles, 103 heterozygotes, 45 homozygotes.

Genomic Diagnostic Laboratory, Division of Genomic Diagnostics, Children's Hospital of Philadelphia
Classification: Benign for Birt-Hogg-Dube Syndrome. Last evaluated: 2016-07-18. Review status: criteria provided, single submitter. Criteria: DGD Variant Analysis Guidelines. Collection method: clinical testing. Allele origin: germline. Observed: 2 variant alleles.
Comment: Clinical Testing

Women's Health and Genetics/Laboratory Corporation of America, LabCorp
Classification: Benign. Last evaluated: 2016-05-04. Review status: criteria provided, single submitter. Criteria: LabCorp Variant Classification Summary - May 2015. Collection method: clinical testing. Allele origin: germline.
Comment: Variant summary: c.1062+6C>T in FLCN gene is an intronic change that involves a non-conserved nucleotide. 5/5 programs in Alamut predict that this variant does not affect normal splicing, however no functional studies supporting this notion were published at the time of evaluation. The variant is present in the control population dataset of ExAC at frequency of 50.2% (60270/119978 chrs tested), including numerous homozygous occurrences. The observed frequency greatly exceeds the maximum expected allele frequency for a pathogenic variant of 0.0003%, suggesting that it is a benign polymorphism. The variant of interest has been reported as Benign/Polymorphism by reputable database/clinical laboratory and published reports (Cho, 2008; Houweling, 2011). Taking together, based on the prevalence of this variant in general population the variant was classified as Benign.

Laboratory for Molecular Medicine, Mass General Brigham Personalized Medicine
Classification: Benign. Last evaluated: 2015-08-06. Review status: criteria provided, single submitter. Criteria: LMM Criteria. Collection method: clinical testing. Allele origin: germline. Observed: 53 variant alleles.
Comment: c.1062+6C>T in intron 9 of FLCN: This variant is not expected to have clinical s ignificance because it has been identified in 65% (4313/6562) of Finnish chromos omes by the Exome Aggregation Consortium (ExAC; dbSNP rs8065832).

GeneDx
Classification: Benign. Last evaluated: 2015-03-03. Review status: criteria provided, single submitter. Criteria: GeneDx Variant Classification Process June 2021. Collection method: clinical testing. Allele origin: germline. Affected: yes.
Comment: This variant is associated with the following publications: (PMID: 14627671, 19733897)

Breakthrough Genomics
Classification: Benign. Review status: criteria provided, single submitter. Criteria: ACMG Guidelines, 2015. Collection method: not provided. Allele origin: germline. Inheritance: Autosomal dominant inheritance. Affected: yes.

PreventionGenetics, part of Exact Sciences
Classification: Benign. Review status: criteria provided, single submitter. Criteria: ACMG Guidelines, 2015. Collection method: clinical testing. Allele origin: germline.

Clinical Genetics DNA and cytogenetics Diagnostics Lab, Erasmus MC, Erasmus Medical Center
Classification: Benign. Review status: no assertion criteria provided. Collection method: clinical testing. Allele origin: germline. Affected: yes. Study: VKGL Data-share Consensus. Not counted in ClinVar's aggregate classification.

Genome Diagnostics Laboratory, University Medical Center Utrecht
Classification: Benign. Review status: no assertion criteria provided. Collection method: clinical testing. Allele origin: germline. Affected: yes. Study: VKGL Data-share Consensus. Not counted in ClinVar's aggregate classification.

Joint Genome Diagnostic Labs from Nijmegen and Maastricht, Radboudumc and MUMC+
Classification: Benign. Review status: no assertion criteria provided. Collection method: clinical testing. Allele origin: germline. Affected: yes. Study: VKGL Data-share Consensus. Not counted in ClinVar's aggregate classification.

Literature cited by the submitters: PubMed 22146830 (cited by Women's Health and Genetics/Laboratory Corporation of America, LabCorp); PubMed 19116017 (cited by Women's Health and Genetics/Laboratory Corporation of America, LabCorp).